The following is an entry in ClinVar:

ClinVar aggregate classification (germline): Uncertain significance (1 of 4 stars; one submission).

gnomAD v4.1: 1 of 1,590,070 alleles (0.000063%); highest among the groups gnomAD compares: Non-Finnish European, 0.000086%; no homozygotes.

Submission:

Mayo Clinic Laboratories, Mayo Clinic
Classification: Uncertain significance. Last evaluated: 2024-04-04. Review status: criteria provided, single submitter. Criteria: ACMG Guidelines, 2015. Collection method: clinical testing. Allele origin: germline. Observed: 1 variant allele.
Comment: BP5, PM2_moderate

NM_001042517.2(DIAPH3):c.170G>T (p.Arg57Leu)

Gene: DIAPH3 (diaphanous related formin 3; minus strand). Cytogenetic location: 13q21.2.
Variant type: single nucleotide variant.
Coding change: c.170G>T on transcript NM_001042517.2 (MANE Select); coding-DNA position 170, G replaced by T.
Protein change: p.Arg57Leu; replaces arginine 57 with leucine.
Molecular consequence: missense variant.
Genome position (GRCh38, 1-based): chr13:60,163,597, C>A on the plus strand (G>T on the coding strand, the complement: DIAPH3 is on the minus strand). VCF-style: chr13-60163597-C-A. GRCh37 (hg19) VCF-style: chr13-60737731-C-A.
Other names: p.Arg57Leu; c.170G>T, p.Arg57Leu (NM_001258366.2, NM_001258367.2, NM_001258368.2 and 1 more transcripts); short protein forms R57L.
Identifiers: ClinVar variation 3380155 (VCV003380155.1).